The following is an entry in ClinVar:

ClinVar aggregate classification (germline): Uncertain significance. Review status: criteria provided, single submitter (1 of 4 stars). 2 submissions from 1 submitter: Uncertain significance (2). Last evaluated 2020-05-04.

Conditions:
Autoinflammation-PLCG2-associated antibody deficiency-immune dysregulation. Also called: Autoinflammation, antibody deficiency, and immune dysregulation, plcg2-associated; AUTOINFLAMMATION, ANTIBODY DEFICIENCY, AND IMMUNE DYSREGULATION; Autoinflammation, antibody deficiency, and immune dysregulation syndrome. Identifiers: Orphanet 324530, MedGen C3553961, MONDO:0013944, OMIM 614878.
Familial cold autoinflammatory syndrome 3 (FCAS3). Also called: ANTIBODY DEFICIENCY AND IMMUNE DYSREGULATION, PLCG2-ASSOCIATED; FAMILIAL ATYPICAL COLD URTICARIA. Identifiers: Orphanet 300359, MedGen C3280914, MONDO:0013766, OMIM 614468.

Submissions (2):

New York Genome Center
Classification: Uncertain significance for Autoinflammation-PLCG2-associated antibody deficiency-immune dysregulation. Last evaluated: 2020-05-04. Review status: criteria provided, single submitter. Criteria: NYGC Assertion Criteria 2020. Collection method: clinical testing. Allele origin: maternal. Inheritance: Autosomal dominant inheritance. Observed: 1 heterozygote. Study: CSER-NYCKidSeq. Segregation with disease not observed.
Comment: The inherited c.2418-694C>G deep intronic variant identified in the PLCG2 gene substitutes a well conserved Cytosine for Guanine within intron 22/32. This variant is absent from gnomAD (v3.0) suggesting it is not a common benign variant in the populations represented in that database. Human Splicing Finder predicts that this variant leads to the activation of an intronic cryptic donor site and potentially alters splicing, and the Transcript inferred Pathogenicity Score (TraP; v3.0) for this variant is 0.252, which is >95% score-percentile, suggesting it is possibly damaging. This variantis absent from ClinVar and to our current knowledge has not been reported in affected indiviudals in the literature. Given the lack of compelling evidence for its pathogenicity, the inherited c.2418-694C>G deep intronic variant identified in the PLCG2 gene is reported here as a Variant of Uncertain Significance.

New York Genome Center
Classification: Uncertain significance for Familial cold autoinflammatory syndrome 3. Last evaluated: 2020-05-04. Review status: criteria provided, single submitter. Criteria: NYGC Assertion Criteria 2020. Collection method: clinical testing. Allele origin: maternal. Inheritance: Autosomal dominant inheritance. Observed: 1 heterozygote. Study: CSER-NYCKidSeq. Segregation with disease not observed.
Comment: the same text as in the submission from New York Genome Center above.

NM_002661.5(PLCG2):c.2418-694C>G

Gene: PLCG2 (phospholipase C gamma 2; plus strand). Cytogenetic location: 16q23.3.
Variant type: single nucleotide variant.
Coding change: c.2418-694C>G on transcript NM_002661.5 (MANE Select); 694 bases into the intron before coding-DNA position 2418, C replaced by G.
Molecular consequence: intron variant.
Genome position (GRCh38, 1-based): chr16:81,926,388, C>G. VCF-style: chr16-81926388-C-G. GRCh37 (hg19) VCF-style: chr16-81959993-C-G.
Identifiers: ClinVar variation 996955 (VCV000996955.1), dbSNP rs901895283, ClinGen allele CA2237402049.